The following is an entry in ClinVar:

ClinVar aggregate classification (germline): Benign/Likely benign. Review status: criteria provided, multiple submitters, no conflicts (2 of 4 stars). 3 submissions from 3 submitters: Benign (1); Likely benign (2). Last evaluated 2025-05-05.

Conditions:
Hereditary diffuse gastric adenocarcinoma (HDGC). Also called: DIFFUSE GASTRIC AND LOBULAR BREAST CANCER SYNDROME. Identifiers: Orphanet 26106, MedGen C1708349, MONDO:0007648, OMIM 137215.
Hereditary cancer-predisposing syndrome. Also called: Neoplastic Syndromes, Hereditary; Hereditary neoplastic syndrome; Hereditary Cancer Syndrome; Tumor predisposition. Identifiers: Orphanet 140162, MedGen C0027672, MeSH D009386, MONDO:0015356.

Allele frequency attached by ClinVar (database versions not stated): gnomAD 0.00001; gnomAD exomes 0.00001; 1000 Genomes Project 30x 0.00016; 1000 Genomes Project 0.00020.
gnomAD v4.1: 10 of 1,614,232 alleles (0.00062%); highest among the groups gnomAD compares: South Asian, 0.0055%; no homozygotes.

Submissions (3):

Labcorp Genetics (formerly Invitae), Labcorp
Classification: Likely benign. Last evaluated: 2025-05-05. Review status: criteria provided, single submitter. Criteria: Invitae Variant Classification Sherloc (09022015). Collection method: clinical testing. Allele origin: germline.

Myriad Genetics, Inc.
Classification: Benign for Hereditary diffuse gastric adenocarcinoma. Last evaluated: 2024-10-10. Review status: criteria provided, single submitter. Criteria: Myriad Autosomal Dominant, Autosomal Recessive and X-Linked Classification Criteria (2023). Collection method: clinical testing. Allele origin: unknown.
Comment: This variant is considered benign. This variant is a silent/synonymous amino acid change and it is not expected to impact splicing.

Ambry Genetics
Classification: Likely benign for Hereditary cancer-predisposing syndrome. Last evaluated: 2019-07-17. Review status: criteria provided, single submitter. Criteria: Ambry Variant Classification Scheme 2023. Collection method: clinical testing. Allele origin: germline.

NM_001903.5(CTNNA1):c.663C>G (p.Leu221=)

Gene: CTNNA1 (catenin alpha 1; plus strand). Cytogenetic location: 5q31.2.
Variant type: single nucleotide variant.
Coding change: c.663C>G on transcript NM_001903.5 (MANE Select); coding-DNA position 663, C replaced by G.
Protein change: p.Leu221=; no amino-acid change (leucine 221 retained).
Molecular consequence: synonymous variant.
Genome position (GRCh38, 1-based): chr5:138,824,604, C>G. VCF-style: chr5-138824604-C-G. GRCh37 (hg19) VCF-style: chr5-138160293-C-G.
Other names: c.663C>G, p.Leu221= (NM_001323984.2, NM_001323985.2, NM_001323986.2 and 3 more transcripts); c.354C>G, p.Leu118= (NM_001290309.3); c.294C>G, p.Leu98= (NM_001290310.3).
Identifiers: ClinVar variation 1099959 (VCV001099959.12), dbSNP rs552540254, ClinGen allele CA3431522.